The following is an entry in ClinVar:

ClinVar aggregate classification (germline): Uncertain significance (1 of 4 stars; one submission).

Submission:

GeneDx
Classification: Uncertain significance. Last evaluated: 2022-06-01. Review status: criteria provided, single submitter. Criteria: GeneDx Variant Classification Process June 2021. Collection method: clinical testing. Allele origin: germline. Affected: yes.
Comment: Not observed at significant frequency in large population cohorts (gnomAD); In silico analysis supports that this missense variant does not alter protein structure/function; Has not been previously published as pathogenic or benign to our knowledge

NM_016148.5(SHANK1):c.2695C>G (p.Pro899Ala)

Gene: SHANK1 (SH3 and multiple ankyrin repeat domains 1; minus strand). Cytogenetic location: 19q13.33.
Variant type: single nucleotide variant.
Coding change: c.2695C>G on transcript NM_016148.5 (MANE Select); coding-DNA position 2695, C replaced by G.
Protein change: p.Pro899Ala; replaces proline 899 with alanine.
Molecular consequence: missense variant.
Genome position (GRCh38, 1-based): chr19:50,669,265, G>C on the plus strand (C>G on the coding strand, the complement: SHANK1 is on the minus strand). VCF-style: chr19-50669265-G-C. GRCh37 (hg19) VCF-style: chr19-51172522-G-C.
Other names: short protein forms P899A.
Identifiers: ClinVar variation 1802132 (VCV001802132.1), dbSNP rs2513888095, ClinGen allele CA407019597.